The following is an entry in ClinVar:

NM_001854.4(COL11A1):c.652-13T>G

Gene: COL11A1 (collagen type XI alpha 1 chain; minus strand). Cytogenetic location: 1p21.1.
Variant type: single nucleotide variant.
Coding change: c.652-13T>G on transcript NM_001854.4 (MANE Select); 13 bases into the intron before coding-DNA position 652, T replaced by G.
Molecular consequence: intron variant.
Genome position (GRCh38, 1-based): chr1:103,031,257, A>C on the plus strand (T>G on the coding strand, the complement: COL11A1 is on the minus strand). VCF-style: chr1-103031257-A-C. GRCh37 (hg19) VCF-style: chr1-103496813-A-C.
Other names: c.652-13T>G (NM_001190709.2, NM_080629.3, NM_080630.4).
Identifiers: ClinVar variation 875938 (VCV000875938.16), dbSNP rs776608546, ClinGen allele CA975365.

ClinVar aggregate classification (germline): Conflicting classifications of pathogenicity. Review status: criteria provided, conflicting classifications (1 of 4 stars). 6 submissions from 5 submitters: Uncertain significance (2); Likely benign (3). 1 of the submissions does not count toward it. Last evaluated 2026-03-24.

Conditions:
COL11A1-related disorder. Also called: COL11A1-related condition; COL11A1-related disorders.
Fibrochondrogenesis 1 (FBCG1). Identifiers: Orphanet 2021, MedGen C3278138, MONDO:0009226, OMIM 228520.
Stickler syndrome type 2 (STL2). Also called: COL11A1-Related Stickler Syndrome; STICKLER SYNDROME, BEADED VITREOUS TYPE; STICKLER SYNDROME, VITREOUS TYPE 2; STICKLER SYNDROME, TYPE II. Identifiers: Orphanet 828, Orphanet 90654, MedGen C1858084, MONDO:0011493, OMIM 604841.

Allele frequency attached by ClinVar (database versions not stated): gnomAD 0.00020 and 0.00023; TOPMed 0.00021; gnomAD exomes 0.00024; ExAC 0.00026.
gnomAD v4.1: 265 of 1,601,020 alleles (0.017%); highest among the groups gnomAD compares: South Asian, 0.098%; no homozygotes.

Submissions (6):

Women's Health and Genetics/Laboratory Corporation of America, LabCorp
Classification: Likely benign. Last evaluated: 2026-03-24. Review status: criteria provided, single submitter. Criteria: LabCorp Variant Classification Summary - May 2015. Collection method: clinical testing. Allele origin: germline.

Labcorp Genetics (formerly Invitae), Labcorp
Classification: Likely benign. Last evaluated: 2025-12-17. Review status: criteria provided, single submitter. Criteria: Invitae Variant Classification Sherloc (09022015). Collection method: clinical testing. Allele origin: germline.

Blueprint Genetics
Classification: Likely benign. Last evaluated: 2024-01-31. Review status: criteria provided, single submitter. Criteria: ACMG Guidelines, 2015. Collection method: clinical testing. Allele origin: germline.

Illumina Laboratory Services, Illumina
Classification: Uncertain significance for Stickler syndrome type 2. Last evaluated: 2018-01-13. Review status: criteria provided, single submitter. Criteria: ICSL Variant Classification Criteria 13 December 2019. Collection method: clinical testing. Allele origin: germline.

Illumina Laboratory Services, Illumina
Classification: Uncertain significance for Fibrochondrogenesis 1. Last evaluated: 2018-01-13. Review status: criteria provided, single submitter. Criteria: ICSL Variant Classification Criteria 13 December 2019. Collection method: clinical testing. Allele origin: germline.

PreventionGenetics, part of Exact Sciences
Classification: Likely benign for COL11A1-related condition. Last evaluated: 2022-05-11. Review status: no assertion criteria provided. Collection method: clinical testing. Allele origin: germline. Not counted in ClinVar's aggregate classification.
Comment: This variant is classified as likely benign based on ACMG/AMP sequence variant interpretation guidelines (Richards et al. 2015 PMID: 25741868, with internal and published modifications).